The following is an entry in ClinVar:

ClinVar aggregate classification (germline): Uncertain significance (1 of 4 stars; one submission).

Conditions:
Intellectual developmental disorder, autosomal dominant 1. Also called: Intellectual disability, autosomal dominant 1; MBD5 Haploinsufficiency. Identifiers: Orphanet 228402, MedGen C1969562, MONDO:0007974, OMIM 156200.

Submission:

Labcorp Genetics (formerly Invitae), Labcorp
Classification: Uncertain significance for Intellectual developmental disorder, autosomal dominant 1. Last evaluated: 2022-07-26. Review status: criteria provided, single submitter. Criteria: Invitae Variant Classification Sherloc (09022015). Collection method: clinical testing. Allele origin: germline.
Comment: This sequence change replaces lysine, which is basic and polar, with arginine, which is basic and polar, at codon 1394 of the MBD5 protein (p.Lys1394Arg). This variant is not present in population databases (gnomAD no frequency). This variant has not been reported in the literature in individuals affected with MBD5-related conditions. Algorithms developed to predict the effect of missense changes on protein structure and function are either unavailable or do not agree on the potential impact of this missense change (SIFT: "Deleterious"; PolyPhen-2: "Not Available"; Align-GVGD: "Class C25"). In summary, the available evidence is currently insufficient to determine the role of this variant in disease. Therefore, it has been classified as a Variant of Uncertain Significance.

NM_001378120.1(MBD5):c.4880A>G (p.Lys1627Arg)

Gene: MBD5 (methyl-CpG binding domain protein 5; plus strand). Cytogenetic location: 2q23.1.
Variant type: single nucleotide variant.
Coding change: c.4880A>G on transcript NM_001378120.1 (MANE Select); coding-DNA position 4880, A replaced by G.
Protein change: p.Lys1627Arg; replaces lysine 1627 with arginine.
Molecular consequence: missense variant.
Genome position (GRCh38, 1-based): chr2:148,490,512, A>G. VCF-style: chr2-148490512-A-G. GRCh37 (hg19) VCF-style: chr2-149248081-A-G.
Other names: c.4181A>G, p.Lys1394Arg (NM_018328.5); short protein forms K1394R, K1627R.
Identifiers: ClinVar variation 2098635 (VCV002098635.4), dbSNP rs1574485937, ClinGen allele CA348731836.
Genomic context (GRCh38, chr2:148,490,512, plus strand): 5'-AATTGATACATTATAGACCAAGGACGTTCAATGTTGGCGACTTGGTCTGGGGCCAAATCA[A>G]AGGACTGACTTCCTGGCCTGGAAAATTAGTAAGAGAAGACGACGTTCACAATTCATGTCA-3'
Protein context (NP_001365049.1, residues 1617-1637): NVGDLVWGQI[Lys1627Arg]GLTSWPGKLV